The following is an entry in ClinVar:

ClinVar aggregate classification (germline): Uncertain significance (1 of 4 stars; one submission).

gnomAD v4.1: 1 of 1,597,226 alleles (0.000063%); highest among the groups gnomAD compares: Non-Finnish European, 0.000085%; no homozygotes.

Submission:

GeneDx
Classification: Uncertain significance. Last evaluated: 2026-04-11. Review status: criteria provided, single submitter. Criteria: GeneDx Variant Classification Process June 2021. Collection method: clinical testing. Allele origin: germline.
Comment: Not observed at significant frequency in large population cohorts (gnomAD); In silico analysis supports that this missense variant has a deleterious effect on protein structure/function; Has not been previously published as pathogenic or benign to our knowledge

NM_001329943.3(KIAA0586):c.2027C>T (p.Pro676Leu)

Gene: KIAA0586 (KIAA0586; plus strand). Cytogenetic location: 14q23.1.
Variant type: single nucleotide variant.
Coding change: c.2027C>T on transcript NM_001329943.3 (MANE Select); coding-DNA position 2027, C replaced by T.
Protein change: p.Pro676Leu; replaces proline 676 with leucine.
Molecular consequence: missense variant.
Genome position (GRCh38, 1-based): chr14:58,461,128, C>T. VCF-style: chr14-58461128-C-T. GRCh37 (hg19) VCF-style: chr14-58927846-C-T.
Other names: c.2186C>T, p.Pro729Leu (NM_001244189.2); c.1772C>T, p.Pro591Leu (NM_001364701.2, NM_001244191.2, NM_001329945.2 and 1 more transcripts); c.1799C>T, p.Pro600Leu (NM_014749.5); c.1982C>T, p.Pro661Leu (NM_001244190.2); c.1895C>T, p.Pro632Leu (NM_001244192.2); c.1607C>T, p.Pro536Leu (NM_001244193.2); c.2027C>T, p.Pro676Leu (NM_001329944.2, NM_001329946.2, NM_001329947.2); short protein forms P536L, P591L, P600L, P632L, P661L, P676L, P729L.
Identifiers: ClinVar variation 5018428 (VCV005018428.1).